The following is an entry in ClinVar:

NM_007294.4(BRCA1):c.4309dup (p.Ser1437fs)

Gene: BRCA1 (BRCA1 DNA repair associated; minus strand). Cytogenetic location: 17q21.31.
Variant type: Duplication.
Coding change: c.4309dup on transcript NM_007294.4 (MANE Select); coding-DNA position 4309, one base duplicated (T; older notation c.4309dupT).
Protein change: p.Ser1437fs; shifts the reading frame from serine 1437.
Molecular consequence: frameshift variant. On other transcripts: non-coding transcript variant (1).
Genome position (GRCh38, 1-based): chr17:43,082,452, A duplicated on the plus strand (T on the coding strand, the reverse complement: BRCA1 is on the minus strand); the first of 2 consecutive A bases (chr17:43,082,452-43,082,453); duplicating either gives the same sequence. VCF-style (leftmost placement, unchanged base first): chr17-43082451-G-GA. GRCh37 (hg19) VCF-style: chr17-41234468-G-GA.
Other names: c.4095dup, p.Ser1366Phefs (NM_001407571.1, NM_001407853.1, NM_001407894.1 and 12 more transcripts); c.4308dup, p.Ser1437Phefs (NM_001407581.1, NM_001407582.1, NM_001407583.1 and 22 more transcripts); c.4305dup, p.Ser1436Phefs (NM_001407587.1, NM_001407590.1, NM_001407591.1 and 21 more transcripts); c.4302dup, p.Ser1435Phefs (NM_001407627.1, NM_001407628.1, NM_001407629.1 and 5 more transcripts); c.4296dup, p.Ser1433Phefs (NM_001407646.1, NM_001407647.1); c.4185dup, p.Ser1396Phefs (NM_001407648.1, NM_001407664.1, NM_001407665.1 and 13 more transcripts); c.4182dup, p.Ser1395Phefs (NM_001407649.1, NM_001407670.1, NM_001407671.1 and 12 more transcripts); c.4230dup, p.Ser1411Phefs (NM_001407653.1, NM_001407654.1, NM_001407655.1 and 2 more transcripts); and 54 more; short protein forms S334fs, S1437fs, S1390fs.
Identifiers: ClinVar variation 2129863 (VCV002129863.4), dbSNP rs886040223, ClinGen allele CA2580093802.

ClinVar aggregate classification (germline): Pathogenic (1 of 4 stars; one submission).

Conditions:
Hereditary breast ovarian cancer syndrome. Also called: Hereditary breast and ovarian cancer syndrome; BRCA1- and BRCA2-Associated Hereditary Breast and Ovarian Cancer; Hereditary breast and ovarian cancer syndrome (HBOC); Hereditary breast and/or ovarian cancer syndrome; Hereditary breast and ovarian cancer; Breast and ovarian cancer. Identifiers: Orphanet 145, MedGen C0677776, MeSH D061325, MONDO:0003582. Disease mechanism: loss of function.

Submission:

Labcorp Genetics (formerly Invitae), Labcorp
Classification: Pathogenic for Hereditary breast ovarian cancer syndrome. Last evaluated: 2022-04-24. Review status: criteria provided, single submitter. Criteria: Invitae Variant Classification Sherloc (09022015). Collection method: clinical testing. Allele origin: germline.
Comment: For these reasons, this variant has been classified as Pathogenic. This variant has not been reported in the literature in individuals affected with BRCA1-related conditions. This variant is not present in population databases (gnomAD no frequency). This sequence change creates a premature translational stop signal (p.Ser1437Phefs*4) in the BRCA1 gene. It is expected to result in an absent or disrupted protein product. Loss-of-function variants in BRCA1 are known to be pathogenic (PMID: 20104584).

Literature cited by the submitters: PubMed 20104584.